The following is an entry in ClinVar:

ClinVar aggregate classification (germline): Uncertain significance. Review status: criteria provided, multiple submitters, no conflicts (2 of 4 stars). 4 submissions from 4 submitters: Uncertain significance (4). Last evaluated 2024-04-08.

Conditions:
Autosomal recessive limb-girdle muscular dystrophy type 2J (LGMDR10). Also called: Limb-girdle muscular dystrophy, type 2J; MUSCULAR DYSTROPHY, LIMB-GIRDLE, AUTOSOMAL RECESSIVE 10. Identifiers: Orphanet 140922, MedGen C1837342, MONDO:0012127, OMIM 608807.
Dilated cardiomyopathy 1G (CMD1G). Identifiers: Orphanet 154, MedGen C1858763, MONDO:0011400, OMIM 604145.
Myopathy, myofibrillar, 9, with early respiratory failure (MFM9). Also called: EDSTROM MYOPATHY; MYOPATHY, PROXIMAL, WITH EARLY RESPIRATORY MUSCLE INVOLVEMENT; Hereditary myopathy with early respiratory failure; Myopathy, distal, with early respiratory failure, autosomal dominant. Identifiers: Orphanet 178464, Orphanet 34521, MedGen C1863599, MONDO:0011362, OMIM 603689.
Hypertrophic cardiomyopathy 9. Also called: Familial hypertrophic cardiomyopathy 9. Identifiers: MedGen C1861065, MONDO:0013412, OMIM 613765.
Early-onset myopathy with fatal cardiomyopathy (CMYO5). Also called: Salih Myopathy; CONGENITAL MYOPATHY 5 WITH CARDIOMYOPATHY. Identifiers: Orphanet 289377, MedGen C2673677, MONDO:0012714, OMIM 611705. Disease mechanism: loss of function.
Tibial muscular dystrophy (TMD). Also called: UDD MYOPATHY; Tibial muscular dystrophy, tardive; Udd Distal Myopathy – Tibial Muscular Dystrophy. Identifiers: Orphanet 609, MedGen C1838244, MONDO:0010870, OMIM 600334.

Allele frequency attached by ClinVar (database versions not stated): ExAC 0.00001; gnomAD 0.00001; gnomAD exomes 0.00001; TOPMed 0.00001.
gnomAD v4.1: 5 of 1,612,978 alleles (0.00031%); highest among the groups gnomAD compares: Admixed American, 0.0083%; no homozygotes.

Submissions (4):

Revvity Omics, Revvity
Classification: Uncertain significance. Last evaluated: 2024-04-08. Review status: criteria provided, single submitter. Criteria: ACMG Guidelines, 2015. Collection method: clinical testing. Allele origin: germline.

Fulgent Genetics
Classification: Uncertain significance for Tibial muscular dystrophy; Myopathy, myofibrillar, 9, with early respiratory failure; Dilated cardiomyopathy 1G; Autosomal recessive limb-girdle muscular dystrophy type 2J; Early-onset myopathy with fatal cardiomyopathy; Hypertrophic cardiomyopathy 9. Last evaluated: 2022-02-01. Review status: criteria provided, single submitter. Criteria: ACMG Guidelines, 2015. Collection method: clinical testing. Allele origin: unknown.

GeneDx
Classification: Uncertain significance. Last evaluated: 2019-11-22. Review status: criteria provided, single submitter. Criteria: GeneDx Variant Classification Process June 2021. Collection method: clinical testing. Allele origin: germline. Affected: yes.
Comment: Not observed at a significant frequency in large population cohorts (Lek et al., 2016); Missense variant in a gene in which most reported pathogenic variants are truncating/loss-of-function; Has not been previously published as pathogenic or benign to our knowledge

Labcorp Genetics (formerly Invitae), Labcorp
Classification: Uncertain significance for Dilated cardiomyopathy 1G; Autosomal recessive limb-girdle muscular dystrophy type 2J. Last evaluated: 2017-05-16. Review status: criteria provided, single submitter. Criteria: Invitae Variant Classification Sherloc (09022015). Collection method: clinical testing. Allele origin: germline.

NM_001267550.2(TTN):c.76962C>G (p.Asn25654Lys)

Genes: TTN (titin; minus strand), TTN-AS1 (TTN antisense RNA 1; plus strand). Cytogenetic location: 2q31.2.
Variant type: single nucleotide variant.
Coding change: c.76962C>G on transcript NM_001267550.2 (MANE Select); coding-DNA position 76962, C replaced by G.
Protein change: p.Asn25654Lys; replaces asparagine 25654 with lysine.
Molecular consequence: missense variant.
Genome position (GRCh38, 1-based): chr2:178,569,170, G>C on the plus strand (C>G on the coding strand, the complement: TTN is on the minus strand). VCF-style: chr2-178569170-G-C. GRCh37 (hg19) VCF-style: chr2-179433897-G-C.
Other names: c.72039C>G, p.Asn24013Lys (NM_001256850.1); c.49767C>G, p.Asn16589Lys (NM_003319.4); c.69258C>G, p.Asn23086Lys (NM_133378.4); c.50142C>G, p.Asn16714Lys (NM_133432.3); c.50343C>G, p.Asn16781Lys (NM_133437.4); short protein forms N25654K, N16589K, N23086K, N16714K, N24013K, N16781K.
Identifiers: ClinVar variation 467498 (VCV000467498.7), dbSNP rs755800765, ClinGen allele CA1989844.